The following is an entry in ClinVar:

ClinVar aggregate classification (germline): Uncertain significance. Review status: criteria provided, multiple submitters, no conflicts (2 of 4 stars). 3 submissions from 3 submitters: Uncertain significance (2). 1 of the submissions does not count toward it. Last evaluated 2021-12-20.

Conditions:
Schimke immuno-osseous dysplasia (SIOD). Also called: Schimke Immunoosseous Dysplasia. Identifiers: Orphanet 1830, MedGen C0877024, MONDO:0009458, OMIM 242900.

Allele frequency attached by ClinVar (database versions not stated): TOPMed 0.00001; ExAC 0.00002; gnomAD exomes 0.00002.
gnomAD v4.1: 31 of 1,613,580 alleles (0.0019%); highest among the groups gnomAD compares: South Asian, 0.0077%; no homozygotes.

Submissions (3):

Labcorp Genetics (formerly Invitae), Labcorp
Classification: Uncertain significance for Schimke immuno-osseous dysplasia. Last evaluated: 2021-12-20. Review status: criteria provided, single submitter. Criteria: Invitae Variant Classification Sherloc (09022015). Collection method: clinical testing. Allele origin: germline.
Comment: This sequence change replaces alanine, which is neutral and non-polar, with valine, which is neutral and non-polar, at codon 256 of the SMARCAL1 protein (p.Ala256Val). This variant is present in population databases (rs751712707, gnomAD 0.01%). This variant has not been reported in the literature in individuals affected with SMARCAL1-related conditions. ClinVar contains an entry for this variant (Variation ID: 838814). Algorithms developed to predict the effect of missense changes on protein structure and function output the following: SIFT: "Tolerated"; PolyPhen-2: "Possibly Damaging"; Align-GVGD: "Class C0". The valine amino acid residue is found in multiple mammalian species, which suggests that this missense change does not adversely affect protein function. In summary, the available evidence is currently insufficient to determine the role of this variant in disease. Therefore, it has been classified as a Variant of Uncertain Significance.

Blueprint Genetics
Classification: Uncertain significance. Last evaluated: 2017-05-26. Review status: criteria provided, single submitter. Criteria: ACMG Guidelines, 2015. Collection method: clinical testing. Allele origin: germline.

Natera, Inc.
Classification: Uncertain significance for Schimke immuno-osseous dysplasia. Last evaluated: 2020-02-13. Review status: no assertion criteria provided. Collection method: clinical testing. Allele origin: germline. Not counted in ClinVar's aggregate classification.

NM_014140.4(SMARCAL1):c.767C>T (p.Ala256Val)

Gene: SMARCAL1 (SNF2 related chromatin remodeling annealing helicase 1; plus strand). Cytogenetic location: 2q35.
Variant type: single nucleotide variant.
Coding change: c.767C>T on transcript NM_014140.4 (MANE Select); coding-DNA position 767, C replaced by T.
Protein change: p.Ala256Val; replaces alanine 256 with valine.
Molecular consequence: missense variant.
Genome position (GRCh38, 1-based): chr2:216,415,471, C>T. VCF-style: chr2-216415471-C-T. GRCh37 (hg19) VCF-style: chr2-217280194-C-T.
Other names: c.767C>T, p.Ala256Val (NM_001127207.2); short protein forms A256V.
Identifiers: ClinVar variation 838814 (VCV000838814.5), dbSNP rs751712707, ClinGen allele CA2097654.
Genomic context (GRCh38, chr2:216,415,471, plus strand): 5'-CTCAGAAGGGAAAGTGCGTAAGGAACGGCGATCGTTTCCAGGTGTTGATTGGGTACAATG[C>T]GGAACTCATTGCAGTGTTTAAGACCCTGCCCAGCAAGAATTATGGTAATGTCTTCATTTT-3'
Protein context (NP_054859.2, residues 246-266): DRFQVLIGYN[Ala256Val]ELIAVFKTLP